The following is an entry in ClinVar:

ClinVar aggregate classification (germline): Uncertain significance. Review status: criteria provided, multiple submitters, no conflicts (2 of 4 stars). 2 submissions from 2 submitters: Uncertain significance (2). Last evaluated 2025-08-26.

Conditions:
Inborn genetic diseases. Identifiers: MedGen C0950123, MeSH D030342.

Allele frequency attached by ClinVar (database versions not stated): gnomAD exomes below 0.00001.
gnomAD v4.1: 1 of 1,613,620 alleles (0.000062%); highest among the groups gnomAD compares: Admixed American, 0.0017%; no homozygotes.

Submissions (2):

Ambry Genetics
Classification: Uncertain significance for Inborn genetic diseases. Last evaluated: 2025-08-26. Review status: criteria provided, single submitter. Criteria: Ambry Variant Classification Scheme 2023. Collection method: clinical testing. Allele origin: germline.

Labcorp Genetics (formerly Invitae), Labcorp
Classification: Uncertain significance. Last evaluated: 2022-07-19. Review status: criteria provided, single submitter. Criteria: Invitae Variant Classification Sherloc (09022015). Collection method: clinical testing. Allele origin: germline.
Comment: This sequence change replaces phenylalanine, which is neutral and non-polar, with valine, which is neutral and non-polar, at codon 309 of the ERCC8 protein (p.Phe309Val). This variant is present in population databases (no rsID available, gnomAD 0.003%). This variant has not been reported in the literature in individuals affected with ERCC8-related conditions. ClinVar contains an entry for this variant (Variation ID: 1432209). Algorithms developed to predict the effect of missense changes on protein structure and function are either unavailable or do not agree on the potential impact of this missense change (SIFT: "Deleterious"; PolyPhen-2: "Probably Damaging"; Align-GVGD: "Class C0"). In summary, the available evidence is currently insufficient to determine the role of this variant in disease. Therefore, it has been classified as a Variant of Uncertain Significance.

NM_000082.4(ERCC8):c.925T>G (p.Phe309Val)

Gene: ERCC8 (ERCC excision repair 8, CSA ubiquitin ligase complex subunit; minus strand). Cytogenetic location: 5q12.1.
Variant type: single nucleotide variant.
Coding change: c.925T>G on transcript NM_000082.4 (MANE Select); coding-DNA position 925, T replaced by G.
Protein change: p.Phe309Val; replaces phenylalanine 309 with valine.
Molecular consequence: missense variant.
Genome position (GRCh38, 1-based): chr5:60,891,005, A>C on the plus strand (T>G on the coding strand, the complement: ERCC8 is on the minus strand). VCF-style: chr5-60891005-A-C. GRCh37 (hg19) VCF-style: chr5-60186832-A-C.
Other names: c.751T>G, p.Phe251Val (NM_001007233.3); c.466T>G, p.Phe156Val (NM_001290285.2); c.925T>G (NM_000082.3); short protein forms F309V, F156V, F251V.
Identifiers: ClinVar variation 1432209 (VCV001432209.4), dbSNP rs1329937544, ClinGen allele CA359823374.